The following is an entry in ClinVar:

NM_005993.5(TBCD):c.1372A>G (p.Ser458Gly)

Gene: TBCD (tubulin folding cofactor D). Cytogenetic location: 17q25.3.
Variant type: single nucleotide variant.
Coding change: c.1372A>G on transcript NM_005993.5 (MANE Select); coding-DNA position 1372, A replaced by G.
Protein change: p.Ser458Gly; replaces serine 458 with glycine.
Molecular consequence: missense variant.
Genome position (GRCh38, 1-based): chr17:82,870,277, A>G. VCF-style: chr17-82870277-A-G. GRCh37 (hg19) VCF-style: chr17-80828153-A-G.
Other names: c.1321A>G, p.Ser441Gly (NM_001411101.1); c.1372A>G, p.Ser458Gly (NM_001411102.1); short protein forms S441G, S458G.
Identifiers: ClinVar variation 2008253 (VCV002008253.4), dbSNP rs2509944104, ClinGen allele CA401620383.

ClinVar aggregate classification (germline): Uncertain significance (1 of 4 stars; one submission).

Submission:

Labcorp Genetics (formerly Invitae), Labcorp
Classification: Uncertain significance. Last evaluated: 2022-10-25. Review status: criteria provided, single submitter. Criteria: Invitae Variant Classification Sherloc (09022015). Collection method: clinical testing. Allele origin: germline.
Comment: In summary, the available evidence is currently insufficient to determine the role of this variant in disease. Therefore, it has been classified as a Variant of Uncertain Significance. Advanced modeling of protein sequence and biophysical properties (such as structural, functional, and spatial information, amino acid conservation, physicochemical variation, residue mobility, and thermodynamic stability) has been performed at Invitae for this missense variant, however the output from this modeling did not meet the statistical confidence thresholds required to predict the impact of this variant on TBCD protein function. This variant has not been reported in the literature in individuals affected with TBCD-related conditions. This variant is not present in population databases (gnomAD no frequency). This sequence change replaces serine, which is neutral and polar, with glycine, which is neutral and non-polar, at codon 458 of the TBCD protein (p.Ser458Gly).